The following is an entry in ClinVar:

NM_003764.4(STX11):c.46G>A (p.Asp16Asn)

Gene: STX11 (syntaxin 11; plus strand). Cytogenetic location: 6q24.2.
Variant type: single nucleotide variant.
Coding change: c.46G>A on transcript NM_003764.4 (MANE Select); coding-DNA position 46, G replaced by A.
Protein change: p.Asp16Asn; replaces aspartic acid 16 with asparagine.
Molecular consequence: missense variant.
Genome position (GRCh38, 1-based): chr6:144,186,673, G>A. VCF-style: chr6-144186673-G-A. GRCh37 (hg19) VCF-style: chr6-144507810-G-A.
Other names: short protein forms D16N.
Identifiers: ClinVar variation 1005379 (VCV001005379.8), dbSNP rs773008640, ClinGen allele CA4031603.

ClinVar aggregate classification (germline): Uncertain significance (1 of 4 stars; one submission).

Conditions:
Familial hemophagocytic lymphohistiocytosis 4 (FHL4). Also called: STX11-Related Familial Hemophagocytic Lymphohistiocytosis (STX11-fHLH). Identifiers: Orphanet 540, MedGen C1863728, MONDO:0011336, OMIM 603552.

Allele frequency attached by ClinVar (database versions not stated): gnomAD exomes below 0.00001; ExAC 0.00001; gnomAD 0.00001; TOPMed 0.00002.

Submission:

Labcorp Genetics (formerly Invitae), Labcorp
Classification: Uncertain significance for Familial hemophagocytic lymphohistiocytosis 4. Last evaluated: 2022-03-02. Review status: criteria provided, single submitter. Criteria: Invitae Variant Classification Sherloc (09022015). Collection method: clinical testing. Allele origin: germline.
Comment: This sequence change replaces aspartic acid, which is acidic and polar, with asparagine, which is neutral and polar, at codon 16 of the STX11 protein (p.Asp16Asn). This variant is present in population databases (rs773008640, gnomAD 0.0009%). This variant has not been reported in the literature in individuals affected with STX11-related conditions. ClinVar contains an entry for this variant (Variation ID: 1005379). Algorithms developed to predict the effect of missense changes on protein structure and function (SIFT, PolyPhen-2, Align-GVGD) all suggest that this variant is likely to be tolerated. In summary, the available evidence is currently insufficient to determine the role of this variant in disease. Therefore, it has been classified as a Variant of Uncertain Significance.